The following is an entry in ClinVar:

NM_000492.4(CFTR):c.1365_1366del (p.Val456fs)

Genes: CFTR (CF transmembrane conductance regulator; plus strand), CFTR-AS1 (CFTR antisense RNA 1; minus strand). Cytogenetic location: 7q31.2.
Variant type: Deletion.
Coding change: c.1365_1366del on transcript NM_000492.4 (MANE Select); coding-DNA positions 1365 to 1366, 2 bases deleted (GG; older notation c.1365_1366delGG).
Protein change: p.Val456fs; shifts the reading frame from valine 456.
Molecular consequence: frameshift variant.
Genome position (GRCh38, 1-based): chr7:117,548,796-117,548,797, GG deleted. VCF-style (leftmost placement, unchanged base first): chr7-117548795-CGG-C. GRCh37 (hg19) VCF-style: chr7-117188849-CGG-C.
Other names: 1497delGG; c.1365_1366delGG (NM_000492.3); short protein forms V456fs.
Identifiers: ClinVar variation 209061 (VCV000209061.8), dbSNP rs797045161, ClinGen allele CA276115.
Genomic context (GRCh38, chr7:117,548,795, plus strand): 5'-TTCTTGGTACTCCTGTCCTGAAAGATATTAATTTCAAGATAGAAAGAGGACAGTTGTTGG[CGG>C]TTGCTGGATCCACTGGAGCAGGCAAGGTAGTTCTTTTGTTCTTCACTATTAAGAACTTAA-3'

ClinVar aggregate classification (germline): Pathogenic. Review status: reviewed by expert panel (3 of 4 stars). 6 submissions from 6 submitters: Pathogenic (1). 5 of the submissions do not count toward it. Last evaluated 2017-03-17.

Conditions:
Cystic fibrosis (CF). Also called: MUCOVISCIDOSIS. Identifiers: Orphanet 586, MedGen C0010674, MONDO:0009061, OMIM 219700. Disease mechanism: loss of function.

Submissions (6):

CFTR2
Classification: Pathogenic for Cystic fibrosis. Last evaluated: 2017-03-17. Review status: reviewed by expert panel. Criteria: Sosnay PR et al. (Nat Genet 2013). Collection method: research. Allele origin: germline. Affected: yes. Study: CFTR2.

Laboratory of Medical Genetics, National & Kapodistrian University of Athens
Classification: Pathogenic for Cystic fibrosis. Last evaluated: 2024-02-01. Review status: criteria provided, single submitter. Criteria: ACMG Guidelines, 2015. Collection method: curation. Allele origin: germline. Affected: no. Not counted in ClinVar's aggregate classification.

Labcorp Genetics (formerly Invitae), Labcorp
Classification: Pathogenic for Cystic fibrosis. Last evaluated: 2022-04-05. Review status: criteria provided, single submitter. Criteria: Invitae Variant Classification Sherloc (09022015). Collection method: clinical testing. Allele origin: germline. Not counted in ClinVar's aggregate classification.
Comment: For these reasons, this variant has been classified as Pathogenic. ClinVar contains an entry for this variant (Variation ID: 209061). This variant is also known as 1497delGG. This premature translational stop signal has been observed in individual(s) with cystic fibrosis (PMID: 12752573). This variant is not present in population databases (gnomAD no frequency). This sequence change creates a premature translational stop signal (p.Val456Cysfs*25) in the CFTR gene. It is expected to result in an absent or disrupted protein product. Loss-of-function variants in CFTR are known to be pathogenic (PMID: 1695717, 7691345, 9725922).

Mendelics
Classification: Pathogenic for Cystic fibrosis. Last evaluated: 2018-11-05. Review status: criteria provided, single submitter. Criteria: Mendelics Assertion Criteria 2017. Collection method: clinical testing. Allele origin: unknown. Affected: yes. Not counted in ClinVar's aggregate classification.

Women's Health and Genetics/Laboratory Corporation of America, LabCorp
Classification: Pathogenic for Cystic fibrosis. Last evaluated: 2016-10-14. Review status: criteria provided, single submitter. Criteria: LabCorp Variant Classification Summary - May 2015. Collection method: clinical testing. Allele origin: germline. Not counted in ClinVar's aggregate classification.
Comment: Variant summary: The CFTR c.1365_1366delGG (p.Val456Cysfs) variant results in a premature termination codon, predicted to cause a truncated or absent CFTR protein due to nonsense mediated decay, which are commonly known mechanisms for disease. Truncations downstream of this position have been classified as pathogenic by our laboratory (e.g. p.Ala1146fs) Mutation taster predicts a damaging outcome for this variant. This variant is absent from 84762 control chromosomes. It was reported in multiple CF patients in compound heterozygosity with other pathogenic CFTR variants indicating causality. In addition, multiple databases classified this variant as pathogenic. Taken together, this variant is classified as pathogenic.

Natera, Inc.
Classification: Pathogenic for Cystic Fibrosis. Last evaluated: 2020-09-16. Review status: no assertion criteria provided. Collection method: clinical testing. Allele origin: germline. Not counted in ClinVar's aggregate classification.

Literature cited by the submitters: PubMed 12752573 (cited by Labcorp Genetics (formerly Invitae), Labcorp and Women's Health and Genetics/Laboratory Corporation of America, LabCorp); PubMed 1695717 (cited by Labcorp Genetics (formerly Invitae), Labcorp); PubMed 7691345 (cited by Labcorp Genetics (formerly Invitae), Labcorp); PubMed 9725922 (cited by Labcorp Genetics (formerly Invitae), Labcorp); PubMed 9683582 (cited by Women's Health and Genetics/Laboratory Corporation of America, LabCorp); PubMed 24434749 (cited by Women's Health and Genetics/Laboratory Corporation of America, LabCorp); PubMed 21811577 (cited by Women's Health and Genetics/Laboratory Corporation of America, LabCorp); PubMed 16784904 (cited by Women's Health and Genetics/Laboratory Corporation of America, LabCorp).